The following is an entry in ClinVar:

NM_024408.4(NOTCH2):c.5153G>A (p.Arg1718His)

Gene: NOTCH2 (notch receptor 2; minus strand). Cytogenetic location: 1p12.
Variant type: single nucleotide variant.
Coding change: c.5153G>A on transcript NM_024408.4 (MANE Select); coding-DNA position 5153, G replaced by A.
Protein change: p.Arg1718His; replaces arginine 1718 with histidine.
Molecular consequence: missense variant.
Genome position (GRCh38, 1-based): chr1:119,922,296, C>T on the plus strand (G>A on the coding strand, the complement: NOTCH2 is on the minus strand). VCF-style: chr1-119922296-C-T. GRCh37 (hg19) VCF-style: chr1-120464919-C-T.
Other names: c.5153G>A (NM_024408.3); short protein forms R1718H.
Identifiers: ClinVar variation 281793 (VCV000281793.11), dbSNP rs774915799, ClinGen allele CA1039712.

ClinVar aggregate classification (germline): Uncertain significance. Review status: criteria provided, multiple submitters, no conflicts (2 of 4 stars). 3 submissions from 3 submitters: Uncertain significance (3). Last evaluated 2026-01-05.

Conditions:
Inborn genetic diseases. Identifiers: MedGen C0950123, MeSH D030342.
Hajdu-Cheney syndrome (HJCYS). Also called: SERPENTINE FIBULA-POLYCYSTIC KIDNEY SYNDROME; Acroosteolysis dominant type; ACROOSTEOLYSIS WITH OSTEOPOROSIS AND CHANGES IN SKULL AND MANDIBLE. Identifiers: Orphanet 955, MedGen C0917715, MONDO:0007057, OMIM 102500.

Allele frequency attached by ClinVar (database versions not stated): ExAC 0.00001; gnomAD 0.00001; gnomAD exomes below 0.00001; TOPMed 0.00001.
gnomAD v4.1: 9 of 1,614,046 alleles (0.00056%); highest among the groups gnomAD compares: African/African-American, 0.0027%; no homozygotes.

Submissions (3):

Labcorp Genetics (formerly Invitae), Labcorp
Classification: Uncertain significance for Hajdu-Cheney syndrome. Last evaluated: 2026-01-05. Review status: criteria provided, single submitter. Criteria: Invitae Variant Classification Sherloc (09022015). Collection method: clinical testing. Allele origin: germline.
Comment: This sequence change replaces arginine, which is basic and polar, with histidine, which is basic and polar, at codon 1718 of the NOTCH2 protein (p.Arg1718His). This variant is present in population databases (rs774915799, gnomAD 0.0009%). This variant has not been reported in the literature in individuals affected with NOTCH2-related conditions. ClinVar contains an entry for this variant (Variation ID: 281793). Invitae Evidence Modeling of protein sequence and biophysical properties (such as structural, functional, and spatial information, amino acid conservation, physicochemical variation, residue mobility, and thermodynamic stability) indicates that this missense variant is not expected to disrupt NOTCH2 protein function with a negative predictive value of 95%. In summary, the available evidence is currently insufficient to determine the role of this variant in disease. Therefore, it has been classified as a Variant of Uncertain Significance.

Ambry Genetics
Classification: Uncertain significance for Inborn genetic diseases. Last evaluated: 2025-09-05. Review status: criteria provided, single submitter. Criteria: Ambry Variant Classification Scheme 2023. Collection method: clinical testing. Allele origin: germline.

Eurofins Ntd Llc (ga)
Classification: Uncertain significance. Last evaluated: 2015-07-07. Review status: criteria provided, single submitter. Criteria: EGL Classification Definitions 2015. Collection method: clinical testing. Allele origin: germline. Observed: 1 variant allele, 1 heterozygote.